The following is an entry in ClinVar:

ClinVar aggregate classification (germline): Conflicting classifications of pathogenicity. Review status: criteria provided, conflicting classifications (1 of 4 stars). 3 submissions from 3 submitters: Uncertain significance (2); Likely benign (1). Last evaluated 2025-07-31.

Conditions:
Hereditary cancer-predisposing syndrome. Also called: Hereditary neoplastic syndrome; Neoplastic Syndromes, Hereditary; Tumor predisposition; Hereditary Cancer Syndrome. Identifiers: Orphanet 140162, MedGen C0027672, MeSH D009386, MONDO:0015356.

Allele frequency attached by ClinVar (database versions not stated): gnomAD 0.00001; TOPMed 0.00001; gnomAD exomes 0.00003; ExAC 0.00007.
gnomAD v4.1: 44 of 1,603,386 alleles (0.0027%); highest among the groups gnomAD compares: South Asian, 0.0056%; no homozygotes.

Submissions (3):

Quest Diagnostics Nichols Institute San Juan Capistrano
Classification: Uncertain significance. Last evaluated: 2025-07-31. Review status: criteria provided, single submitter. Criteria: Quest Diagnostics criteria. Collection method: clinical testing. Allele origin: unknown.
Comment: The RAD50 c.1052-5A>T variant has not been reported in individuals with RAD50-related conditions in the published literature. The frequency of this variant in the general population (Genome Aggregation Database) is uninformative in the assessment of its pathogenicity. Analysis of this variant using software algorithms for the prediction of the effect of nucleotide changes on splicing yielded predictions that this variant does not affect RAD50 mRNA splicing. Based on the available information, we are unable to determine the clinical significance of this variant.

Ambry Genetics
Classification: Uncertain significance for Hereditary cancer-predisposing syndrome. Last evaluated: 2024-06-26. Review status: criteria provided, single submitter. Criteria: Ambry Variant Classification Scheme 2023. Collection method: clinical testing. Allele origin: germline.
Comment: The c.1052-5A>T intronic variant results from an A to T substitution 5 nucleotides upstream from coding exon 8 in the RAD50 gene. This nucleotide position is poorly conserved in available vertebrate species. RNA studies have demonstrated that this alteration does not result in abnormal splicing in the set of samples tested (Ambry internal data). Since supporting evidence is limited at this time, the clinical significance of this alteration remains unclear.

Labcorp Genetics (formerly Invitae), Labcorp
Classification: Likely benign for Hereditary cancer-predisposing syndrome. Last evaluated: 2024-04-15. Review status: criteria provided, single submitter. Criteria: Invitae Variant Classification Sherloc (09022015). Collection method: clinical testing. Allele origin: germline.

NM_005732.4(RAD50):c.1052-5A>T

Gene: RAD50 (RAD50 double strand break repair protein; plus strand). Cytogenetic location: 5q31.1.
Variant type: single nucleotide variant.
Coding change: c.1052-5A>T on transcript NM_005732.4 (MANE Select); 5 bases into the intron before coding-DNA position 1052, A replaced by T.
Molecular consequence: intron variant.
Genome position (GRCh38, 1-based): chr5:132,588,682, A>T. VCF-style: chr5-132588682-A-T. GRCh37 (hg19) VCF-style: chr5-131924374-A-T.
Identifiers: ClinVar variation 186201 (VCV000186201.19), dbSNP rs778261497, ClinGen allele CA194137.